The following is an entry in ClinVar:

NM_005529.7(HSPG2):c.9502G>A (p.Ala3168Thr)

Gene: HSPG2 (heparan sulfate proteoglycan 2; minus strand). Cytogenetic location: 1p36.12.
Variant type: single nucleotide variant.
Coding change: c.9502G>A on transcript NM_005529.7 (MANE Select); coding-DNA position 9502, G replaced by A.
Protein change: p.Ala3168Thr; replaces alanine 3168 with threonine.
Molecular consequence: missense variant.
Genome position (GRCh38, 1-based): chr1:21,841,112, C>T on the plus strand (G>A on the coding strand, the complement: HSPG2 is on the minus strand). VCF-style: chr1-21841112-C-T. GRCh37 (hg19) VCF-style: chr1-22167605-C-T.
Other names: c.9505G>A, p.Ala3169Thr (NM_001291860.2); short protein forms A3168T, A3169T.
Identifiers: ClinVar variation 295758 (VCV000295758.18), dbSNP rs2228349, ClinGen allele CA670429.

ClinVar aggregate classification (germline): Benign/Likely benign. Review status: criteria provided, multiple submitters, no conflicts (2 of 4 stars). 8 submissions from 6 submitters: Benign (7); Likely benign (1). Last evaluated 2026-02-04.

Conditions:
Schwartz-Jampel syndrome. Also called: Myotonic myopathy dwarfism chondrodystrophy and ocular and facial abnormalities. Identifiers: Orphanet 800, MedGen C0036391, MONDO:0009717.
Lethal Kniest-like syndrome (DDSH). Also called: Dyssegmental Dysplasia. Identifiers: Orphanet 1865, MedGen C1857100, MONDO:0009140, OMIM 224410.

Allele frequency attached by ClinVar (database versions not stated): gnomAD exomes 0.07381 and 0.08240; 1000 Genomes Project 0.08367; 1000 Genomes Project 30x 0.08573; gnomAD 0.09755 and 0.10008; TOPMed 0.09940; ESP Exome Variant Server 0.10327; ExAC 0.11765.
gnomAD v4.1: 134,857 of 1,608,368 alleles (8.4%); highest among the groups gnomAD compares: African/African-American, 17%; 6,367 homozygotes.

Submissions (8):

Labcorp Genetics (formerly Invitae), Labcorp
Classification: Benign. Last evaluated: 2026-02-04. Review status: criteria provided, single submitter. Criteria: Invitae Variant Classification Sherloc (09022015). Collection method: clinical testing. Allele origin: germline.

Blueprint Genetics
Classification: Likely benign. Last evaluated: 2024-11-26. Review status: criteria provided, single submitter. Criteria: ACMG Guidelines, 2015. Collection method: clinical testing. Allele origin: germline.

Genome-Nilou Lab
Classification: Benign for Lethal Kniest-like syndrome. Last evaluated: 2021-08-10. Review status: criteria provided, single submitter. Criteria: ACMG Guidelines, 2015. Collection method: clinical testing. Allele origin: germline. Affected: no.

Genome-Nilou Lab
Classification: Benign for Schwartz-Jampel syndrome type 1. Last evaluated: 2021-08-10. Review status: criteria provided, single submitter. Criteria: ACMG Guidelines, 2015. Collection method: clinical testing. Allele origin: germline. Affected: no.

GeneDx
Classification: Benign. Last evaluated: 2018-08-26. Review status: criteria provided, single submitter. Criteria: GeneDx Variant Classification Process June 2021. Collection method: clinical testing. Allele origin: germline. Affected: yes.

Illumina Laboratory Services, Illumina
Classification: Benign for Schwartz-Jampel syndrome type 1. Last evaluated: 2018-01-12. Review status: criteria provided, single submitter. Criteria: ICSL Variant Classification Criteria 13 December 2019. Collection method: clinical testing. Allele origin: germline.
Comment: This variant was observed in the ICSL laboratory as part of a predisposition screen in an ostensibly healthy population. It had not been previously curated by ICSL or reported in the Human Gene Mutation Database (HGMD: prior to June 1st, 2018), and was therefore a candidate for classification through an automated scoring system. Utilizing variant allele frequency, disease prevalence and penetrance estimates, and inheritance mode, an automated score was calculated to assess if this variant is too frequent to cause the disease. Based on the score and internal cut-off values, a variant classified as benign is not then subjected to further curation. The score for this variant resulted in a classification of benign for this disease.

Illumina Laboratory Services, Illumina
Classification: Benign for Lethal Kniest-like syndrome. Last evaluated: 2018-01-12. Review status: criteria provided, single submitter. Criteria: ICSL Variant Classification Criteria 13 December 2019. Collection method: clinical testing. Allele origin: germline.
Comment: the same text as in the submission from Illumina Laboratory Services, Illumina above.

Breakthrough Genomics
Classification: Benign. Review status: criteria provided, single submitter. Criteria: ACMG Guidelines, 2015. Collection method: not provided. Allele origin: germline. Inheritance: Autosomal recessive inheritance. Affected: yes.